The following is an entry in ClinVar:

NM_006393.3(NEBL):c.152A>T (p.Asp51Val)

Gene: NEBL (nebulette; minus strand). Cytogenetic location: 10p12.31.
Variant type: single nucleotide variant.
Coding change: c.152A>T on transcript NM_006393.3 (MANE Select); coding-DNA position 152, A replaced by T.
Protein change: p.Asp51Val; replaces aspartic acid 51 with valine.
Molecular consequence: missense variant. On other transcripts: intron variant (9).
Genome position (GRCh38, 1-based): chr10:20,896,959, T>A on the plus strand (A>T on the coding strand, the complement: NEBL is on the minus strand). VCF-style: chr10-20896959-T-A. GRCh37 (hg19) VCF-style: chr10-21185888-T-A.
Other names: c.249+64713A>T (NM_001377326.1, NM_001377327.1, NM_001377328.1); c.357+64713A>T (NM_213569.2, NM_001173484.2, NM_001377322.1); c.300+64713A>T (NM_001377324.1); c.291+64713A>T (NM_001377325.1); c.309+64713A>T (NM_001377323.1); short protein forms D51V.
Identifiers: ClinVar variation 2563745 (VCV002563745.2), dbSNP rs2492660234, ClinGen allele CA376098507.

ClinVar aggregate classification (germline): Uncertain significance (1 of 4 stars; one submission).

Submission:

Ambry Genetics
Classification: Uncertain significance. Last evaluated: 2023-04-17. Review status: criteria provided, single submitter. Criteria: Ambry Variant Classification Scheme 2023. Collection method: clinical testing. Allele origin: germline.
Comment: The p.D51V variant (also known as c.152A>T), located in coding exon 2 of the NEBL gene, results from an A to T substitution at nucleotide position 152. The aspartic acid at codon 51 is replaced by valine, an amino acid with highly dissimilar properties. This amino acid position is conserved. In addition, the in silico prediction for this alteration is inconclusive. Since supporting evidence is limited at this time, the clinical significance of this alteration remains unclear.